The following is an entry in ClinVar:

NC_000006.12:g.(?_123218591)_(123224141_?)del

Gene: TRDN (triadin; minus strand). Cytogenetic location: 6q22.31.
Variant type: Deletion.
Identifiers: ClinVar variation 831375 (VCV000831375.45).

ClinVar aggregate classification (germline): Uncertain significance (1 of 4 stars; one submission).

Conditions:
Catecholaminergic polymorphic ventricular tachycardia 1. Also called: VENTRICULAR TACHYCARDIA, CATECHOLAMINERGIC POLYMORPHIC, 1, WITH OR WITHOUT ATRIAL DYSFUNCTION AND/OR DILATED CARDIOMYOPATHY; RYR2-Related Catecholaminergic Polymorphic Ventricular Tachycardia; VENTRICULAR TACHYCARDIA, STRESS-INDUCED POLYMORPHIC 1. Identifiers: Orphanet 3286, MedGen C1631597, MONDO:0011484, OMIM 604772.

Submission:

Labcorp Genetics (formerly Invitae), Labcorp
Classification: Uncertain significance for Catecholaminergic polymorphic ventricular tachycardia 1. Last evaluated: 2019-11-28. Review status: criteria provided, single submitter. Criteria: Invitae Variant Classification Sherloc (09022015). Collection method: clinical testing. Allele origin: germline.
Comment: In summary, the available evidence is currently insufficient to determine the role of this variant in disease. Therefore, it has been classified as a Variant of Uncertain Significance. This variant has not been reported in the literature in individuals with TRDN-related conditions. This variant is a gross deletion of the genomic region encompassing exons 39-41 of the TRDN gene. The 5' boundary is likely confined to intron 38. The 3' end of this event is unknown as it extends through the termination codon beyond the assayed region for this gene and may encompass additional genes. While this deletion is not anticipated to result in nonsense mediated decay, it is expected to create a truncated protein product or disrupt mRNA translation.